The following is an entry in ClinVar:

ClinVar aggregate classification (germline): Likely benign. Review status: criteria provided, multiple submitters, no conflicts (2 of 4 stars). 2 submissions from 2 submitters: Likely benign (2). Last evaluated 2024-10-01.

Conditions:
Kabuki syndrome. Also called: NIIKAWA-KUROKI SYNDROME; Kabuki make-up syndrome. Identifiers: Orphanet 2322, MedGen C0796004, MONDO:0016512.

Allele frequency attached by ClinVar (database versions not stated): gnomAD exomes below 0.00001.
gnomAD v4.1: 1 of 1,613,968 alleles (0.000062%); highest among the groups gnomAD compares: Non-Finnish European, 0.000085%; no homozygotes.

Submissions (2):

CeGaT Center for Human Genetics Tuebingen
Classification: Likely benign. Last evaluated: 2024-10-01. Review status: criteria provided, single submitter. Criteria: CeGaT Center For Human Genetics Tuebingen Variant Classification Criteria Version 2. Collection method: clinical testing. Allele origin: germline. Affected: yes. Observed: 1 variant allele.
Comment: KMT2D: BP4, BP7

Labcorp Genetics (formerly Invitae), Labcorp
Classification: Likely benign for Kabuki syndrome. Last evaluated: 2021-12-03. Review status: criteria provided, single submitter. Criteria: Invitae Variant Classification Sherloc (09022015). Collection method: clinical testing. Allele origin: germline.

NM_003482.4(KMT2D):c.5034A>G (p.Lys1678=)

Gene: KMT2D (lysine methyltransferase 2D; minus strand). Cytogenetic location: 12q13.12.
Variant type: single nucleotide variant.
Coding change: c.5034A>G on transcript NM_003482.4 (MANE Select); coding-DNA position 5034, A replaced by G.
Protein change: p.Lys1678=; no amino-acid change (lysine 1678 retained).
Molecular consequence: synonymous variant.
Genome position (GRCh38, 1-based): chr12:49,044,452, T>C on the plus strand (A>G on the coding strand, the complement: KMT2D is on the minus strand). VCF-style: chr12-49044452-T-C. GRCh37 (hg19) VCF-style: chr12-49438235-T-C.
Identifiers: ClinVar variation 1620133 (VCV001620133.22), dbSNP rs2120583931, ClinGen allele CA479713122.